The following is an entry in ClinVar:

ClinVar aggregate classification (germline): Pathogenic. Review status: criteria provided, multiple submitters, no conflicts (2 of 4 stars). 3 submissions from 3 submitters: Pathogenic (3). Last evaluated 2025-05-14.

Conditions:
Hereditary insensitivity to pain with anhidrosis (CIPA). Also called: NEUROPATHY, CONGENITAL SENSORY, WITH ANHIDROSIS; INSENSITIVITY TO PAIN, CONGENITAL, WITH ANHIDROSIS; NTRK1 Congenital Insensitivity to Pain with Anhidrosis; HSAN Type IV; hereditary sensory and autonomic neuropathy type 4; FAMILIAL DYSAUTONOMIA, TYPE II. Identifiers: Orphanet 642, MedGen C0020074, MONDO:0009746, OMIM 256800.

Allele frequency attached by ClinVar (database versions not stated): TOPMed below 0.00001.

Submissions (3):

Myriad Genetics, Inc.
Classification: Pathogenic for Hereditary insensitivity to pain with anhidrosis. Last evaluated: 2025-05-14. Review status: criteria provided, single submitter. Criteria: Myriad Autosomal Dominant, Autosomal Recessive and X-Linked Classification Criteria (2023). Collection method: clinical testing. Allele origin: unknown.
Comment: NM_002529.3(NTRK1):c.850+1G>A is a variant in a canonical splice site classified as pathogenic in the context of congenital insensitivity to pain with anhidrosis, NTRK1-related. c.850+1G>A has been observed in cases with relevant disease (PMID: 29770739, 10330344). Relevant functional assessments of this variant are not available in the literature. c.850+1G>A has not been observed in referenced population frequency databases. In summary, NM_002529.3(NTRK1):c.850+1G>A is a variant in a canonical splice site in a gene where loss of function is a known mechanism of disease, is predicted to disrupt protein function, and has been observed more frequently in cases with the relevant disease than in healthy populations. Please note: this variant was assessed in the context of healthy population screening.

Natera, Inc.
Classification: Pathogenic for Hereditary insensitivity to pain with anhidrosis. Last evaluated: 2025-04-28. Review status: criteria provided, single submitter. Criteria: Natera Variant Classification Schema (03/2026). Collection method: clinical testing. Allele origin: germline.
Comment: The c.850+1G>A variant in NTRK1 is a canonical splice donor site variant predicted to affect pre-mRNA splicing, which may result in an abnormal transcript and altered protein product. This variant is expected to result in nonsense mediated decay, truncation, or a dysfunctional protein product. This variant is rare in the general population with a frequency below the threshold expected for the associated phenotype(s). This variant has been observed in one or more individuals affected with the associated recessive disease, as either homozygous or compound heterozygous with a second variant (PMID: 10330344). Functional studies show that this variant may disrupt protein function (PMID: 10330344). Given the available evidence, this variant is classified as Pathogenic.

Labcorp Genetics (formerly Invitae), Labcorp
Classification: Pathogenic for Hereditary insensitivity to pain with anhidrosis. Last evaluated: 2023-11-20. Review status: criteria provided, single submitter. Criteria: Invitae Variant Classification Sherloc (09022015). Collection method: clinical testing. Allele origin: germline.
Comment: This sequence change affects a donor splice site in intron 7 of the NTRK1 gene. It is expected to disrupt RNA splicing. Variants that disrupt the donor or acceptor splice site typically lead to a loss of protein function (PMID: 16199547), and loss-of-function variants in NTRK1 are known to be pathogenic (PMID: 10982191). This variant is not present in population databases (gnomAD no frequency). Disruption of this splice site has been observed in individual(s) with congenital insensitivity to pain (PMID: 10330344, 29770739). In at least one individual the data is consistent with being in trans (on the opposite chromosome) from a pathogenic variant. This variant is also known as IVS7+1G→A. ClinVar contains an entry for this variant (Variation ID: 1457786). Algorithms developed to predict the effect of sequence changes on RNA splicing suggest that this variant may disrupt the consensus splice site. For these reasons, this variant has been classified as Pathogenic.

Literature cited by the submitters: PubMed 10330344 (cited by 3 submitters); PubMed 29770739 (cited by Myriad Genetics, Inc. and Labcorp Genetics (formerly Invitae), Labcorp); PubMed 16199547 (cited by Labcorp Genetics (formerly Invitae), Labcorp); PubMed 10982191 (cited by Labcorp Genetics (formerly Invitae), Labcorp).

NM_002529.4(NTRK1):c.850+1G>A

Gene: NTRK1 (neurotrophic receptor tyrosine kinase 1; plus strand). Cytogenetic location: 1q23.1.
Variant type: single nucleotide variant.
Coding change: c.850+1G>A on transcript NM_002529.4 (MANE Select); the canonical splice donor site of the intron after coding-DNA position 850, G replaced by A.
Molecular consequence: splice donor variant.
Genome position (GRCh38, 1-based): chr1:156,871,756, G>A. VCF-style: chr1-156871756-G-A. GRCh37 (hg19) VCF-style: chr1-156841548-G-A.
Other names: c.850+1G>A (NM_001012331.1, NM_001012331.2); c.760+1G>A (NM_001007792.1).
Identifiers: ClinVar variation 1457786 (VCV001457786.9), dbSNP rs1647569895, ClinGen allele CA342935289.
Genomic context (GRCh38, chr1:156,871,756, plus strand): 5'-CGTGCTGGGCAGAGAACGATGTGGGCCGGGCAGAGGTCTCTGTTCAGGTCAACGTCTCCT[G>A]TGAGTCTCAGTGGCAGCTCCGGCACCCACCCCCTACTCATCTCTTCTTCCCTCAAAAGAG-3'